The following is an entry in ClinVar:

ClinVar aggregate classification (germline): Likely pathogenic (1 of 4 stars; one submission).

Conditions:
Inborn genetic diseases. Identifiers: MedGen C0950123, MeSH D030342.

Submission:

Ambry Genetics
Classification: Likely pathogenic for Inborn genetic diseases. Last evaluated: 2021-08-11. Review status: criteria provided, single submitter. Criteria: Ambry Variant Classification Scheme 2023. Collection method: clinical testing. Allele origin: germline.
Comment: The c.3044_3045delAG variant, located in coding exon 4 of the NEFH gene, results from a deletion of two nucleotides at nucleotide positions 3044 to 3045, causing a translational frameshift with a predicted alternate stop codon (p.K1015Sfs*47). This alteration occurs at the 3' terminus of theNEFH gene, is not expected to trigger nonsense-mediated mRNAdecay and results in the elongation of the protein by 41 amino acids. Similar frameshift alterations segregate with axonal Charcot-Marie-Tooth disease, type 2CC (CMT2CC) in multiple families reported in the literature and encode a cryptic amyloidogenic element that lead to abnormal protein aggregation in neuroblastoma cell lines (Rebelo AP et al. Am J Hum Genet, 2016 Apr;98:597-614; Jacquier A et al. Acta Neuropathol Commun, 2017 07;5:55; Bian X et al. Neurodegener Dis, 2018 Mar;18:74-83; Ikenberg E et al. Neuromuscul Disord, 2019 05;29:392-397). This frameshift alteration encodes the cryptic amyloidogenic element that is expected to result in toxic gain of function by protein aggregation. Based on the majority of available evidence to date, this variant is likely to be pathogenic.

Literature cited by the submitters: PubMed 27040688; PubMed 28709447; PubMed 29587262; PubMed 30992180.

NM_021076.4(NEFH):c.3044_3045del (p.Lys1015fs)

Gene: NEFH (neurofilament heavy chain; plus strand). Cytogenetic location: 22q12.2.
Variant type: Deletion.
Coding change: c.3044_3045del on transcript NM_021076.4 (MANE Select); coding-DNA positions 3044 to 3045, 2 bases deleted (AG; older notation c.3044_3045delAG).
Protein change: p.Lys1015fs; shifts the reading frame from lysine 1015.
Molecular consequence: frameshift variant.
Genome position (GRCh38, 1-based): chr22:29,490,684-29,490,685, AG deleted. VCF-style (leftmost placement, unchanged base first): chr22-29490683-AAG-A. GRCh37 (hg19) VCF-style: chr22-29886672-AAG-A.
Other names: short protein forms K1015fs.
Identifiers: ClinVar variation 1799181 (VCV001799181.2), dbSNP rs2517980084, ClinGen allele CA2580099511.